The following is an entry in ClinVar:

ClinVar aggregate classification (germline): Uncertain significance. Review status: criteria provided, multiple submitters, no conflicts (2 of 4 stars). 2 submissions from 2 submitters: Uncertain significance (2). Last evaluated 2024-04-12.

Allele frequency attached by ClinVar (database versions not stated): gnomAD 0.00001; ExAC 0.00002; gnomAD exomes 0.00002; TOPMed 0.00002; 1000 Genomes Project 30x 0.00016; 1000 Genomes Project 0.00020.
gnomAD v4.1: 31 of 1,604,620 alleles (0.0019%); highest among the groups gnomAD compares: African/African-American, 0.004%; no homozygotes.

Submissions (2):

Labcorp Genetics (formerly Invitae), Labcorp
Classification: Uncertain significance. Last evaluated: 2024-04-12. Review status: criteria provided, single submitter. Criteria: Invitae Variant Classification Sherloc (09022015). Collection method: clinical testing. Allele origin: germline.
Comment: This sequence change replaces lysine, which is basic and polar, with glutamic acid, which is acidic and polar, at codon 643 of the GUF1 protein (p.Lys643Glu). This variant is present in population databases (rs545503516, gnomAD 0.01%). This variant has not been reported in the literature in individuals affected with GUF1-related conditions. An algorithm developed to predict the effect of missense changes on protein structure and function (PolyPhen-2) suggests that this variant is likely to be disruptive. In summary, the available evidence is currently insufficient to determine the role of this variant in disease. Therefore, it has been classified as a Variant of Uncertain Significance.

Ambry Genetics
Classification: Uncertain significance. Last evaluated: 2023-10-27. Review status: criteria provided, single submitter. Criteria: Ambry Variant Classification Scheme 2023. Collection method: clinical testing. Allele origin: germline.

NM_021927.3(GUF1):c.1927A>G (p.Lys643Glu)

Gene: GUF1 (GTP binding elongation factor GUF1; plus strand). Cytogenetic location: 4p12.
Variant type: single nucleotide variant.
Coding change: c.1927A>G on transcript NM_021927.3 (MANE Select); coding-DNA position 1927, A replaced by G.
Protein change: p.Lys643Glu; replaces lysine 643 with glutamic acid.
Molecular consequence: missense variant.
Genome position (GRCh38, 1-based): chr4:44,698,598, A>G. VCF-style: chr4-44698598-A-G. GRCh37 (hg19) VCF-style: chr4-44700615-A-G.
Other names: c.955A>G, p.Lys319Glu (NM_001345867.2, NM_001345869.2); c.1807A>G, p.Lys603Glu (NM_001345868.2); short protein forms K603E, K643E, K319E.
Identifiers: ClinVar variation 3103332 (VCV003103332.3), dbSNP rs545503516, ClinGen allele CA2905825.